The following is an entry in ClinVar:

NM_025074.7(FRAS1):c.1080A>G (p.Ser360=)

Gene: FRAS1 (Fraser extracellular matrix complex subunit 1; plus strand). Cytogenetic location: 4q21.21.
Variant type: single nucleotide variant.
Coding change: c.1080A>G on transcript NM_025074.7 (MANE Select); coding-DNA position 1080, A replaced by G.
Protein change: p.Ser360=; no amino-acid change (serine 360 retained).
Molecular consequence: synonymous variant.
Genome position (GRCh38, 1-based): chr4:78,281,406, A>G. VCF-style: chr4-78281406-A-G. GRCh37 (hg19) VCF-style: chr4-79202560-A-G.
Other names: c.1080A>G, p.Ser360= (NM_001166133.2).
Identifiers: ClinVar variation 2654835 (VCV002654835.27), dbSNP rs2476592527, ClinGen allele CA439973605.

ClinVar aggregate classification (germline): Likely benign. Review status: criteria provided, multiple submitters, no conflicts (2 of 4 stars). 2 submissions from 2 submitters: Likely benign (2). Last evaluated 2023-09-04.

Allele frequency attached by ClinVar (database versions not stated): gnomAD exomes below 0.00001.
gnomAD v4.1: 1 of 1,576,300 alleles (0.000063%); highest among the groups gnomAD compares: Non-Finnish European, 0.000086%; no homozygotes.

Submissions (2):

Labcorp Genetics (formerly Invitae), Labcorp
Classification: Likely benign. Last evaluated: 2023-09-04. Review status: criteria provided, single submitter. Criteria: Invitae Variant Classification Sherloc (09022015). Collection method: clinical testing. Allele origin: germline.

CeGaT Center for Human Genetics Tuebingen
Classification: Likely benign. Last evaluated: 2022-10-01. Review status: criteria provided, single submitter. Criteria: CeGaT Center For Human Genetics Tuebingen Variant Classification Criteria Version 2. Collection method: clinical testing. Allele origin: germline. Affected: yes. Observed: 1 variant allele.
Comment: FRAS1: PM2:Supporting, BP4, BP7